The following is an entry in ClinVar:

NM_018979.4(WNK1):c.510C>G (p.Ser170Arg)

Gene: WNK1 (WNK lysine deficient protein kinase 1; plus strand). Cytogenetic location: 12p13.33.
Variant type: single nucleotide variant.
Coding change: c.510C>G on transcript NM_018979.4 (MANE Select); coding-DNA position 510, C replaced by G.
Protein change: p.Ser170Arg; replaces serine 170 with arginine.
Molecular consequence: missense variant.
Genome position (GRCh38, 1-based): chr12:754,075, C>G. VCF-style: chr12-754075-C-G. GRCh37 (hg19) VCF-style: chr12-863241-C-G.
Other names: c.510C>G, p.Ser170Arg (NM_001184985.2, NM_014823.3, NM_213655.5); short protein forms S170R.
Identifiers: ClinVar variation 834595 (VCV000834595.9), dbSNP rs1939598782, ClinGen allele CA383306979.

ClinVar aggregate classification (germline): Uncertain significance (1 of 4 stars; one submission).

Conditions:
Pseudohypoaldosteronism type 2C (PHA2C). Also called: Pseudohypoaldosteronism Type IIC. Identifiers: Orphanet 757, Orphanet 88940, MedGen C1840391, MONDO:0013778, OMIM 614492.
Neuropathy, hereditary sensory and autonomic, type 2A (HSAN2A). Also called: MORVAN DISEASE; NEUROPATHY, CONGENITAL SENSORY; NEUROPATHY, HEREDITARY SENSORY RADICULAR, AUTOSOMAL RECESSIVE; NEUROPATHY, HEREDITARY SENSORY, TYPE IIA; NEUROPATHY, PROGRESSIVE SENSORY, OF CHILDREN; WNK1-Related HSAN2 (HSAN2A). Identifiers: Orphanet 970, MedGen C2752089, MONDO:0024309, OMIM 201300.

Submission:

Labcorp Genetics (formerly Invitae), Labcorp
Classification: Uncertain significance for Neuropathy, hereditary sensory and autonomic, type 2A; Pseudohypoaldosteronism type 2C. Last evaluated: 2019-04-09. Review status: criteria provided, single submitter. Criteria: Invitae Variant Classification Sherloc (09022015). Collection method: clinical testing. Allele origin: germline.
Comment: This variant has not been reported in the literature in individuals with WNK1-related conditions. This variant is not present in population databases (ExAC no frequency). This sequence change replaces serine with arginine at codon 170 of the WNK1 protein (p.Ser170Arg). The serine residue is moderately conserved and there is a moderate physicochemical difference between serine and arginine. Algorithms developed to predict the effect of missense changes on protein structure and function are either unavailable or do not agree on the potential impact of this missense change (SIFT: "Tolerated"; PolyPhen-2: "Not Available"; Align-GVGD: "Class C0"). In summary, the available evidence is currently insufficient to determine the role of this variant in disease. Therefore, it has been classified as a Variant of Uncertain Significance.